The following is an entry in ClinVar:

NM_001273.5(CHD4):c.4185T>A (p.Asp1395Glu)

Genes: CHD4 (chromodomain helicase DNA binding protein 4; minus strand), CHD4-AS1 (CHD4 antisense RNA 1; plus strand). Cytogenetic location: 12p13.31.
Variant type: single nucleotide variant.
Coding change: c.4185T>A on transcript NM_001273.5 (MANE Select); coding-DNA position 4185, T replaced by A.
Protein change: p.Asp1395Glu; replaces aspartic acid 1395 with glutamic acid.
Molecular consequence: missense variant.
Genome position (GRCh38, 1-based): chr12:6,582,899, A>T on the plus strand (T>A on the coding strand, the complement: CHD4 is on the minus strand). VCF-style: chr12-6582899-A-T. GRCh37 (hg19) VCF-style: chr12-6692065-A-T.
Other names: c.4185T>A (NM_001273.2); c.4164T>A, p.Asp1388Glu (NM_001297553.2); c.4146T>A, p.Asp1382Glu (NM_001363606.2); short protein forms D1382E, D1388E, D1395E.
Identifiers: ClinVar variation 1477565 (VCV001477565.9), dbSNP rs1385229724, ClinGen allele CA383575584.

ClinVar aggregate classification (germline): Uncertain significance. Review status: criteria provided, multiple submitters, no conflicts (2 of 4 stars). 2 submissions from 2 submitters: Uncertain significance (2). Last evaluated 2025-10-28.

Conditions:
Inborn genetic diseases. Identifiers: MedGen C0950123, MeSH D030342.

Allele frequency attached by ClinVar (database versions not stated): gnomAD exomes below 0.00001.

Submissions (2):

Ambry Genetics
Classification: Uncertain significance for Inborn genetic diseases. Last evaluated: 2025-10-28. Review status: criteria provided, single submitter. Criteria: Ambry Variant Classification Scheme 2023. Collection method: clinical testing. Allele origin: germline.
Comment: The c.4185T>A (p.D1395E) alteration is located in exon 28 (coding exon 27) of the CHD4 gene. This alteration results from a T to A substitution at nucleotide position 4185, causing the aspartic acid (D) at amino acid position 1395 to be replaced by a glutamic acid (E). Based on data from gnomAD, the A allele has an overall frequency of <0.001% (1/250768) total alleles studied. The highest observed frequency was 0.003% (1/34552) of Latino alleles. Based on insufficient or conflicting evidence, the clinical significance of this alteration remains unclear.

Labcorp Genetics (formerly Invitae), Labcorp
Classification: Uncertain significance. Last evaluated: 2021-05-01. Review status: criteria provided, single submitter. Criteria: Invitae Variant Classification Sherloc (09022015). Collection method: clinical testing. Allele origin: germline.
Comment: This sequence change replaces aspartic acid with glutamic acid at codon 1395 of the CHD4 protein (p.Asp1395Glu). The aspartic acid residue is highly conserved and there is a small physicochemical difference between aspartic acid and glutamic acid. In summary, the available evidence is currently insufficient to determine the role of this variant in disease. Therefore, it has been classified as a Variant of Uncertain Significance. Algorithms developed to predict the effect of missense changes on protein structure and function (SIFT, PolyPhen-2, Align-GVGD) all suggest that this variant is likely to be disruptive, but these predictions have not been confirmed by published functional studies and their clinical significance is uncertain. This variant has been observed in individual(s) with clinical features of Sifrim-Hitz-Weiss syndrome (Invitae). This variant is not present in population databases (ExAC no frequency).